The following is an entry in ClinVar:

NM_130849.4(SLC39A4):c.295G>A (p.Ala99Thr)

Gene: SLC39A4 (solute carrier family 39 member 4; minus strand). Cytogenetic location: 8q24.3.
Variant type: single nucleotide variant.
Coding change: c.295G>A on transcript NM_130849.4 (MANE Select); coding-DNA position 295, G replaced by A.
Protein change: p.Ala99Thr; replaces alanine 99 with threonine.
Molecular consequence: missense variant. On other transcripts: intron variant (1).
Genome position (GRCh38, 1-based): chr8:144,415,989, C>T on the plus strand (G>A on the coding strand, the complement: SLC39A4 is on the minus strand). VCF-style: chr8-144415989-C-T. GRCh37 (hg19) VCF-style: chr8-145641373-C-T.
Other names: c.295G>A (NM_130849.3); c.220G>A, p.Ala74Thr (NM_017767.3); c.193-570G>A (NM_001374839.1); short protein forms A99T, A74T.
Identifiers: ClinVar variation 810336 (VCV000810336.47), dbSNP rs182506368, ClinGen allele CA187650656.
Genomic context (GRCh38, chr8:144,415,989, plus strand): 5'-AGAGGCCAGCCCGAGCGTCCTCACAGGTGCCCTCGGGGTTGCTGAGGTACAGGACGGCGG[C>T]GGCACTGAGGCGGGCGACGTACCTGGCCTCCAGGACCGGGCCCGGGGGCAGCCCTGACCC-3'
Protein context (NP_570901.3, residues 89-109): EARYVARLSA[Ala99Thr]AVLYLSNPEG

ClinVar aggregate classification (germline): Conflicting classifications of pathogenicity. Review status: criteria provided, conflicting classifications (1 of 4 stars). 4 submissions from 4 submitters: Pathogenic (1); Likely pathogenic (2); Uncertain significance (1). Last evaluated 2025-11-19.

Conditions:
Hereditary acrodermatitis enteropathica (AEZ). Also called: Acrodermatitis enteropathica. Identifiers: Orphanet 37, MedGen C0221036, MONDO:0008713, OMIM 201100.

Allele frequency attached by ClinVar (database versions not stated): gnomAD 0.00001; TOPMed 0.00001; 1000 Genomes Project 30x 0.00016; 1000 Genomes Project 0.00020.
gnomAD v4.1: 21 of 1,590,446 alleles (0.0013%); highest among the groups gnomAD compares: Non-Finnish European, 0.0018%; no homozygotes.

Submissions (4):

Natera, Inc.
Classification: Pathogenic for Acrodermatitis enteropathica. Last evaluated: 2025-11-19. Review status: criteria provided, single submitter. Criteria: Natera Variant Classification Schema (03/2026). Collection method: clinical testing. Allele origin: germline.
Comment: The c.295G>A variant in SLC39A4 is a missense variant predicted to cause substitution of alanine to threonine at amino acid 99. This variant is rare in the general population with a frequency below the threshold expected for the associated phenotype(s). This variant has been observed in one or more individuals affected with the associated recessive disease, as either homozygous or compound heterozygous with a second variant (PMID: 21762381, 32442281, 36479285, 38831989). Functional studies show that this variant may disrupt protein function (PMID: 33837739). Multiple computational prediction algorithms suggest this variant is unlikely to affect gene or protein function. Given the available evidence, this variant is classified as Pathogenic.

Labcorp Genetics (formerly Invitae), Labcorp
Classification: Likely pathogenic. Last evaluated: 2024-01-31. Review status: criteria provided, single submitter. Criteria: Invitae Variant Classification Sherloc (09022015). Collection method: clinical testing. Allele origin: germline.
Comment: This sequence change replaces alanine, which is neutral and non-polar, with threonine, which is neutral and polar, at codon 99 of the SLC39A4 protein (p.Ala99Thr). The frequency data for this variant in the population databases is considered unreliable, as metrics indicate poor data quality at this position in the gnomAD database. This missense change has been observed in individual(s) with acrodermatitis enteropathica (PMID: 21762381, 36479285). In at least one individual the data is consistent with being in trans (on the opposite chromosome) from a pathogenic variant. ClinVar contains an entry for this variant (Variation ID: 810336). An algorithm developed to predict the effect of missense changes on protein structure and function (PolyPhen-2) suggests that this variant is likely to be disruptive. Experimental studies have shown that this missense change affects SLC39A4 function (PMID: 27321477). In summary, the currently available evidence indicates that the variant is pathogenic, but additional data are needed to prove that conclusively. Therefore, this variant has been classified as Likely Pathogenic.

Blueprint Genetics
Classification: Uncertain significance. Last evaluated: 2023-09-28. Review status: criteria provided, single submitter. Criteria: ACMG Guidelines, 2015. Collection method: clinical testing. Allele origin: germline.

CeGaT Center for Human Genetics Tuebingen
Classification: Likely pathogenic. Last evaluated: 2019-06-01. Review status: criteria provided, single submitter. Criteria: CeGaT Center For Human Genetics Tuebingen Variant Classification Criteria Version 2. Collection method: clinical testing. Allele origin: germline. Affected: yes. Observed: 1 variant allele.

Literature cited by the submitters: PubMed 21762381 (cited by Natera, Inc. and Labcorp Genetics (formerly Invitae), Labcorp); PubMed 32442281 (cited by Natera, Inc.); PubMed 36479285 (cited by Natera, Inc. and Labcorp Genetics (formerly Invitae), Labcorp); PubMed 38831989 (cited by Natera, Inc.); PubMed 33837739 (cited by Natera, Inc.); PubMed 27321477 (cited by Labcorp Genetics (formerly Invitae), Labcorp).